The following is an entry in ClinVar:

NM_030662.4(MAP2K2):c.528+237T>C

Gene: MAP2K2 (mitogen-activated protein kinase kinase 2; minus strand). Cytogenetic location: 19p13.3.
Variant type: single nucleotide variant.
Coding change: c.528+237T>C on transcript NM_030662.4 (MANE Select); 237 bases into the intron after coding-DNA position 528, T replaced by C.
Molecular consequence: intron variant.
Genome position (GRCh38, 1-based): chr19:4,102,139, A>G on the plus strand (T>C on the coding strand, the complement: MAP2K2 is on the minus strand). VCF-style: chr19-4102139-A-G. GRCh37 (hg19) VCF-style: chr19-4102137-A-G.
Identifiers: ClinVar variation 561627 (VCV000561627.1), dbSNP rs8100110, ClinGen allele CA14710166.

ClinVar aggregate classification (germline): Benign (1 of 4 stars; one submission).

Allele frequency attached by ClinVar (database versions not stated): gnomAD 0.05026 and 0.05426; 1000 Genomes Project 0.05611; TOPMed 0.05718.
gnomAD v4.1: 7,587 of 152,226 alleles (5%); highest among the groups gnomAD compares: African/African-American, 17%; 643 homozygotes.

Submission:

GeneDx
Classification: Benign. Last evaluated: 2018-06-16. Review status: criteria provided, single submitter. Criteria: GeneDx Variant Classification (06012015). Collection method: clinical testing. Allele origin: germline. Affected: yes.
Comment: This variant is considered likely benign or benign based on one or more of the following criteria: it is a conservative change, it occurs at a poorly conserved position in the protein, it is predicted to be benign by multiple in silico algorithms, and/or has population frequency not consistent with disease.